The following is an entry in ClinVar:

NM_020937.4(FANCM):c.516dup (p.Gln173fs)

Gene: FANCM (FA complementation group M; plus strand). Cytogenetic location: 14q21.2.
Variant type: Duplication.
Coding change: c.516dup on transcript NM_020937.4 (MANE Select); coding-DNA position 516, one base duplicated (A; older notation c.516dupA).
Protein change: p.Gln173fs; shifts the reading frame from glutamine 173.
Molecular consequence: frameshift variant.
Genome position (GRCh38, 1-based): chr14:45,137,076, A duplicated. VCF-style (leftmost placement, unchanged base first): chr14-45137075-C-CA. GRCh37 (hg19) VCF-style: chr14-45606278-C-CA.
Other names: c.516dup, p.Gln173fs (NM_001308133.2, NM_001308134.2); short protein forms Q173fs.
Identifiers: ClinVar variation 1074097 (VCV001074097.7), dbSNP rs2139106255, ClinGen allele CA2499222625.

ClinVar aggregate classification (germline): Pathogenic (1 of 4 stars; one submission).

Conditions:
Fanconi anemia (FA). Also called: Fanconi's anemia. Identifiers: Orphanet 84, MedGen C0015625, MeSH D005199, MONDO:0019391.

Allele frequency attached by ClinVar (database versions not stated): gnomAD exomes below 0.00001.

Submission:

Labcorp Genetics (formerly Invitae), Labcorp
Classification: Pathogenic for Fanconi anemia. Last evaluated: 2020-10-22. Review status: criteria provided, single submitter. Criteria: Invitae Variant Classification Sherloc (09022015). Collection method: clinical testing. Allele origin: germline.
Comment: For these reasons, this variant has been classified as Pathogenic. Loss-of-function variants in FANCM are known to be pathogenic (PMID: 29895858, 30075111). This variant has not been reported in the literature in individuals with FANCM-related conditions. This variant is not present in population databases (ExAC no frequency). This sequence change creates a premature translational stop signal (p.Gln173Thrfs*12) in the FANCM gene. It is expected to result in an absent or disrupted protein product.

Literature cited by the submitters: PubMed 29895858; PubMed 30075111.